The following is an entry in ClinVar:

ClinVar aggregate classification (germline): Likely benign. Review status: criteria provided, multiple submitters, no conflicts (2 of 4 stars). 3 submissions from 3 submitters: Likely benign (2). 1 of the submissions does not count toward it. Last evaluated 2025-03-14.

Conditions:
Brugada syndrome 6 (BRGDA6). Identifiers: Orphanet 130, MedGen C2751089, MONDO:0013145, OMIM 613119.
KCNE3-related disorder. Also called: KCNE3-related condition.

Allele frequency attached by ClinVar (database versions not stated): ExAC 0.00001; gnomAD 0.00001; gnomAD exomes 0.00001; TOPMed 0.00001.
gnomAD v4.1: 11 of 1,614,138 alleles (0.00068%); highest among the groups gnomAD compares: Admixed American, 0.0017%; no homozygotes.

Submissions (3):

Women's Health and Genetics/Laboratory Corporation of America, LabCorp
Classification: Likely benign. Last evaluated: 2025-03-14. Review status: criteria provided, single submitter. Criteria: LabCorp Variant Classification Summary - May 2015. Collection method: clinical testing. Allele origin: germline.

Labcorp Genetics (formerly Invitae), Labcorp
Classification: Likely benign for Brugada syndrome 6. Last evaluated: 2021-06-19. Review status: criteria provided, single submitter. Criteria: Invitae Variant Classification Sherloc (09022015). Collection method: clinical testing. Allele origin: germline.

PreventionGenetics, part of Exact Sciences
Classification: Likely benign for KCNE3-related condition. Last evaluated: 2020-12-22. Review status: no assertion criteria provided. Collection method: clinical testing. Allele origin: germline. Not counted in ClinVar's aggregate classification.
Comment: This variant is classified as likely benign based on ACMG/AMP sequence variant interpretation guidelines (Richards et al. 2015 PMID: 25741868, with internal and published modifications).

NM_005472.5(KCNE3):c.237C>T (p.Tyr79=)

Gene: KCNE3 (potassium voltage-gated channel subfamily E regulatory subunit 3; minus strand). Cytogenetic location: 11q13.4.
Variant type: single nucleotide variant.
Coding change: c.237C>T on transcript NM_005472.5 (MANE Select); coding-DNA position 237, C replaced by T.
Protein change: p.Tyr79=; no amino-acid change (tyrosine 79 retained).
Molecular consequence: synonymous variant.
Genome position (GRCh38, 1-based): chr11:74,457,327, G>A on the plus strand (C>T on the coding strand, the complement: KCNE3 is on the minus strand). VCF-style: chr11-74457327-G-A. GRCh37 (hg19) VCF-style: chr11-74168372-G-A.
Other names: c.237C>T (NM_005472.4).
Identifiers: ClinVar variation 1160709 (VCV001160709.12), dbSNP rs768106696, ClinGen allele CA6184828.